The following is an entry in ClinVar:

NM_000440.3(PDE6A):c.1798G>T (p.Asp600Tyr)

Gene: PDE6A (phosphodiesterase 6A; minus strand). Cytogenetic location: 5q32.
Variant type: single nucleotide variant.
Coding change: c.1798G>T on transcript NM_000440.3 (MANE Select); coding-DNA position 1798, G replaced by T.
Protein change: p.Asp600Tyr; replaces aspartic acid 600 with tyrosine.
Molecular consequence: missense variant.
Genome position (GRCh38, 1-based): chr5:149,886,305, C>A on the plus strand (G>T on the coding strand, the complement: PDE6A is on the minus strand). VCF-style: chr5-149886305-C-A. GRCh37 (hg19) VCF-style: chr5-149265868-C-A.
Other names: short protein forms D600Y.
Identifiers: ClinVar variation 1409858 (VCV001409858.7), dbSNP rs765024330, ClinGen allele CA3504537.
Genomic context (GRCh38, chr5:149,886,305, plus strand): 5'-GGGGAGGGAGGCTGACTCACTTCATCTGGTAGAGGTTATTGGTGCCTCTGTGGTCAATGT[C>A]ATGGCAGAAAGCAGCAGTGACCATGGCCAAGGCCTCTAGGTCCGTGAAGTAGCGCTTCAG-3'
Protein context (NP_000431.2, residues 590-610): LAMVTAAFCH[Asp600Tyr]IDHRGTNNLY

ClinVar aggregate classification (germline): Uncertain significance (1 of 4 stars; one submission).

Allele frequency attached by ClinVar (database versions not stated): ExAC 0.00001; gnomAD 0.00001; gnomAD exomes 0.00001 and 0.00002; TOPMed 0.00005.
gnomAD v4.1: 5 of 1,614,050 alleles (0.00031%); highest among the groups gnomAD compares: Admixed American, 0.0083%; no homozygotes.

Submission:

Labcorp Genetics (formerly Invitae), Labcorp
Classification: Uncertain significance. Last evaluated: 2022-04-17. Review status: criteria provided, single submitter. Criteria: Invitae Variant Classification Sherloc (09022015). Collection method: clinical testing. Allele origin: germline.
Comment: In summary, the available evidence is currently insufficient to determine the role of this variant in disease. Therefore, it has been classified as a Variant of Uncertain Significance. Algorithms developed to predict the effect of missense changes on protein structure and function (SIFT, PolyPhen-2, Align-GVGD) all suggest that this variant is likely to be disruptive. This variant has not been reported in the literature in individuals affected with PDE6A-related conditions. This variant is present in population databases (rs765024330, gnomAD 0.01%). This sequence change replaces aspartic acid, which is acidic and polar, with tyrosine, which is neutral and polar, at codon 600 of the PDE6A protein (p.Asp600Tyr).